The following is an entry in ClinVar:

ClinVar aggregate classification (germline): Uncertain significance (1 of 4 stars; one submission).

Allele frequency attached by ClinVar (database versions not stated): gnomAD exomes below 0.00001; gnomAD 0.00001; TOPMed 0.00001; ExAC 0.00002; ESP Exome Variant Server 0.00008.
gnomAD v4.1: 3 of 1,609,596 alleles (0.00019%); highest among the groups gnomAD compares: Middle Eastern, 0.017%; no homozygotes.

Submission:

Labcorp Genetics (formerly Invitae), Labcorp
Classification: Uncertain significance. Last evaluated: 2022-09-10. Review status: criteria provided, single submitter. Criteria: Invitae Variant Classification Sherloc (09022015). Collection method: clinical testing. Allele origin: germline.
Comment: In summary, the available evidence is currently insufficient to determine the role of this variant in disease. Therefore, it has been classified as a Variant of Uncertain Significance. Variants that disrupt the consensus splice site are a relatively common cause of aberrant splicing (PMID: 17576681, 9536098). Algorithms developed to predict the effect of sequence changes on RNA splicing suggest that this variant may disrupt the consensus splice site. This variant has not been reported in the literature in individuals affected with DDX58-related conditions. This variant is present in population databases (rs373359352, gnomAD 0.007%). This sequence change falls in intron 11 of the DDX58 gene. It does not directly change the encoded amino acid sequence of the DDX58 protein. It affects a nucleotide within the consensus splice site.

Literature cited by the submitters: PubMed 17576681; PubMed 9536098.

NM_014314.4(RIGI):c.1638+3A>G

Gene: RIGI (RNA sensor RIG-I; minus strand). Cytogenetic location: 9p21.1.
Variant type: single nucleotide variant.
Coding change: c.1638+3A>G on transcript NM_014314.4 (MANE Select); 3 bases into the intron after coding-DNA position 1638, A replaced by G.
Molecular consequence: intron variant.
Genome position (GRCh38, 1-based): chr9:32,481,337, T>C on the plus strand (A>G on the coding strand, the complement: RIGI is on the minus strand). VCF-style: chr9-32481337-T-C. GRCh37 (hg19) VCF-style: chr9-32481335-T-C.
Other names: c.1029+3A>G (NM_001385912.1); c.1623+3A>G (NM_001385913.1); c.1632+3A>G (NM_001385907.1); c.1638+3A>G (NM_001385909.1); c.1194+3A>G (NM_001385914.1); c.1197+3A>G (NM_001385910.1).
Identifiers: ClinVar variation 1921680 (VCV001921680.5), dbSNP rs373359352, ClinGen allele CA5019742.